The following is an entry in ClinVar:

NM_001146156.2(GSK3B):c.229G>T (p.Asp77Tyr)

Gene: GSK3B (glycogen synthase kinase 3 beta; minus strand). Cytogenetic location: 3q13.33.
Variant type: single nucleotide variant.
Coding change: c.229G>T on transcript NM_001146156.2 (MANE Select); coding-DNA position 229, G replaced by T.
Protein change: p.Asp77Tyr; replaces aspartic acid 77 with tyrosine.
Molecular consequence: missense variant.
Genome position (GRCh38, 1-based): chr3:120,002,099, C>A on the plus strand (G>T on the coding strand, the complement: GSK3B is on the minus strand). VCF-style: chr3-120002099-C-A. GRCh37 (hg19) VCF-style: chr3-119720946-C-A.
Other names: c.229G>T, p.Asp77Tyr (NM_001354596.2, NM_002093.4); short protein forms D77Y.
Identifiers: ClinVar variation 3390630 (VCV003390630.1).

ClinVar aggregate classification (germline): Uncertain significance (1 of 4 stars; one submission).

Submission:

GeneDx
Classification: Uncertain significance. Last evaluated: 2023-05-16. Review status: criteria provided, single submitter. Criteria: GeneDx Variant Classification Process June 2021. Collection method: clinical testing. Allele origin: germline. Affected: yes.
Comment: Not observed at significant frequency in large population cohorts (gnomAD); In silico analysis supports that this missense variant has a deleterious effect on protein structure/function; Has not been previously published as pathogenic or benign to our knowledge; Variants in candidate genes are classified as variants of uncertain significance in accordance with ACMG guidelines (Richards et al., 2015)